The following is an entry in ClinVar:

ClinVar aggregate classification (germline): Likely pathogenic (1 of 4 stars; one submission).

Conditions:
Homocystinuria. Identifiers: MedGen C0019880, MONDO:0004737, HP:0002156.

Submission:

Women's Health and Genetics/Laboratory Corporation of America, LabCorp
Classification: Likely pathogenic for Homocystinuria. Last evaluated: 2021-07-14. Review status: criteria provided, single submitter. Criteria: LabCorp Variant Classification Summary - May 2015. Collection method: clinical testing. Allele origin: germline.
Comment: Variant summary: CBS c.862G>C (p.Ala288Pro) results in a non-conservative amino acid change located in the pyridoxal-phosphate dependent enzyme domain (IPR001926) of the encoded protein sequence. Five of five in-silico tools predict a damaging effect of the variant on protein function. The variant was absent in 251262 control chromosomes (gnomAD). c.862G>C has been reported in the literature in a compound heterozygous individual affected with Homocystinuria (Linnebank_2004). These data do not allow any conclusion about variant significance. At least one publication reported experimental evidence evaluating an impact on protein function, and demonstrated the variant to be non-functional in a yeast complementation assay (Mayfield_2012). Another missense variant affecting the same residue (A288T) was also reported in affected individuals (in HGMD and CBS database), and was found to be non-functional in in vitro studies (Mayfield_2012, and PMID 16205833), further supporting that the Ala288 residue is important for protein function. No clinical diagnostic laboratories have submitted clinical-significance assessments for this variant to ClinVar after 2014. Based on the evidence outlined above, the variant was classified as likely pathogenic.

Literature cited by the submitters: PubMed 22267502; PubMed 15365998; PubMed 31301157.

NM_000071.3(CBS):c.862G>C (p.Ala288Pro)

Gene: CBS (cystathionine beta-synthase; minus strand). Cytogenetic location: 21q22.3.
Variant type: single nucleotide variant.
Coding change: c.862G>C on transcript NM_000071.3 (MANE Select); coding-DNA position 862, G replaced by C.
Protein change: p.Ala288Pro; replaces alanine 288 with proline.
Molecular consequence: missense variant.
Genome position (GRCh38, 1-based): chr21:43,063,045, C>G on the plus strand (G>C on the coding strand, the complement: CBS is on the minus strand). VCF-style: chr21-43063045-C-G. GRCh37 (hg19) VCF-style: chr21-44483155-C-G.
Other names: c.862G>C, p.Ala288Pro (NM_001178008.3, NM_001178009.3, NM_001320298.2); c.547G>C, p.Ala183Pro (NM_001321072.1); short protein forms A183P, A288P.
Identifiers: ClinVar variation 1192201 (VCV001192201.1), dbSNP rs141502207, ClinGen allele CA410600125.
Genomic context (GRCh38, chr21:43,063,045, plus strand): 5'-AGCCGATCCCTTCCACCTCGTAGGTTGTCTGCTCCGTCTGGTTCAGCTCCTCCGGCTCTG[C>G]GAGGATGGACCCTTCGGGATCCACCCCAATGATCTGCAGAGGGCGCGGCTTCAGGGCTCA-3'
Protein context (NP_000062.1, residues 278-298): IGVDPEGSIL[Ala288Pro]EPEELNQTEQ